The following is an entry in ClinVar:

NM_003480.4(MFAP5):c.248-2A>C

Gene: MFAP5 (microfibril associated protein 5; minus strand). Cytogenetic location: 12p13.31.
Variant type: single nucleotide variant.
Coding change: c.248-2A>C on transcript NM_003480.4 (MANE Select); the canonical splice acceptor site of the intron before coding-DNA position 248, A replaced by C.
Molecular consequence: splice acceptor variant. On other transcripts: intron variant (1).
Genome position (GRCh38, 1-based): chr12:8,650,591, T>G on the plus strand (A>C on the coding strand, the complement: MFAP5 is on the minus strand). VCF-style: chr12-8650591-T-G. GRCh37 (hg19) VCF-style: chr12-8803187-T-G.
Other names: c.182-2A>C (NM_001297710.2); c.173-2A>C (NM_001297711.2); c.218-2388A>C (NM_001297712.2); c.218-2A>C (NM_001297709.2).
Identifiers: ClinVar variation 4807816 (VCV004807816.1).

ClinVar aggregate classification (germline): Uncertain significance (1 of 4 stars; one submission).

Submission:

Labcorp Genetics (formerly Invitae), Labcorp
Classification: Uncertain significance. Last evaluated: 2025-12-03. Review status: criteria provided, single submitter. Criteria: Invitae Variant Classification Sherloc (09022015). Collection method: clinical testing. Allele origin: germline.
Comment: This sequence change affects an acceptor splice site in intron 7 of the MFAP5 gene. It is expected to disrupt RNA splicing. Variants that disrupt the donor or acceptor splice site typically lead to a loss of protein function (PMID: 16199547), however the current clinical and genetic evidence is not sufficient to establish whether loss-of-function variants in MFAP5 cause disease. This variant is not present in population databases (gnomAD no frequency). This variant has not been reported in the literature in individuals affected with MFAP5-related conditions. Algorithms developed to predict the effect of sequence changes on RNA splicing suggest that this variant may disrupt the consensus splice site. In summary, the available evidence is currently insufficient to determine the role of this variant in disease. Therefore, it has been classified as a Variant of Uncertain Significance.

Literature cited by the submitters: PubMed 16199547.